The following is an entry in ClinVar:

NM_005535.3(IL12RB1):c.101C>T (p.Pro34Leu)

Gene: IL12RB1 (interleukin 12 receptor subunit beta 1; minus strand). Cytogenetic location: 19p13.11.
Variant type: single nucleotide variant.
Coding change: c.101C>T on transcript NM_005535.3 (MANE Select); coding-DNA position 101, C replaced by T.
Protein change: p.Pro34Leu; replaces proline 34 with leucine.
Molecular consequence: missense variant.
Genome position (GRCh38, 1-based): chr19:18,083,455, G>A on the plus strand (C>T on the coding strand, the complement: IL12RB1 is on the minus strand). VCF-style: chr19-18083455-G-A. GRCh37 (hg19) VCF-style: chr19-18194265-G-A.
Other names: c.101C>T, p.Pro34Leu (NM_001290023.2, NM_153701.3); c.221C>T, p.Pro74Leu (NM_001290024.2); short protein forms P34L, P74L.
Identifiers: ClinVar variation 890108 (VCV000890108.9), dbSNP rs113524129, ClinGen allele CA9305362.

ClinVar aggregate classification (germline): Uncertain significance. Review status: criteria provided, multiple submitters, no conflicts (2 of 4 stars). 3 submissions from 3 submitters: Uncertain significance (3). Last evaluated 2022-07-12.

Conditions:
Mendelian susceptibility to mycobacterial diseases due to complete IL12RB1 deficiency. Also called: IL12RB1 DEFICIENCY; Immunodeficiency 30. Identifiers: Orphanet 319552, MedGen C4013949, MONDO:0013955, OMIM 614891.

Allele frequency attached by ClinVar (database versions not stated): TOPMed 0.00005; gnomAD exomes 0.00010 and 0.00005; gnomAD 0.00003 and 0.00004; 1000 Genomes Project 0.00020; ESP Exome Variant Server 0.00015; 1000 Genomes Project 30x 0.00016; ExAC 0.00007.
gnomAD v4.1: 160 of 1,614,014 alleles (0.0099%); highest among the groups gnomAD compares: South Asian, 0.014%; no homozygotes.

Submissions (3):

Labcorp Genetics (formerly Invitae), Labcorp
Classification: Uncertain significance for Mendelian susceptibility to mycobacterial diseases due to complete IL12RB1 deficiency. Last evaluated: 2022-07-12. Review status: criteria provided, single submitter. Criteria: Invitae Variant Classification Sherloc (09022015). Collection method: clinical testing. Allele origin: germline.
Comment: This sequence change replaces proline, which is neutral and non-polar, with leucine, which is neutral and non-polar, at codon 34 of the IL12RB1 protein (p.Pro34Leu). This variant is present in population databases (rs113524129, gnomAD 0.01%). This variant has not been reported in the literature in individuals affected with IL12RB1-related conditions. ClinVar contains an entry for this variant (Variation ID: 890108). Algorithms developed to predict the effect of missense changes on protein structure and function output the following: SIFT: "Tolerated"; PolyPhen-2: "Benign"; Align-GVGD: "Class C0". The leucine amino acid residue is found in multiple mammalian species, which suggests that this missense change does not adversely affect protein function. In summary, the available evidence is currently insufficient to determine the role of this variant in disease. Therefore, it has been classified as a Variant of Uncertain Significance.

Illumina Laboratory Services, Illumina
Classification: Uncertain significance for Mendelian susceptibility to mycobacterial diseases due to complete IL12RB1 deficiency. Last evaluated: 2018-01-13. Review status: criteria provided, single submitter. Criteria: ICSL Variant Classification Criteria 13 December 2019. Collection method: clinical testing. Allele origin: germline.

Breakthrough Genomics
Classification: Uncertain significance. Review status: criteria provided, single submitter. Criteria: ACMG Guidelines, 2015. Collection method: not provided. Allele origin: germline. Inheritance: Autosomal dominant inheritance. Affected: yes.